The following is an entry in ClinVar:

NM_139057.4(ADAMTS17):c.2726G>A (p.Arg909Gln)

Gene: ADAMTS17 (ADAM metallopeptidase with thrombospondin type 1 motif 17; minus strand). Cytogenetic location: 15q26.3.
Variant type: single nucleotide variant.
Coding change: c.2726G>A on transcript NM_139057.4 (MANE Select); coding-DNA position 2726, G replaced by A.
Protein change: p.Arg909Gln; replaces arginine 909 with glutamine.
Molecular consequence: missense variant.
Genome position (GRCh38, 1-based): chr15:99,997,455, C>T on the plus strand (G>A on the coding strand, the complement: ADAMTS17 is on the minus strand). VCF-style: chr15-99997455-C-T. GRCh37 (hg19) VCF-style: chr15-100537660-C-T.
Other names: c.2726G>A (NM_139057.3); short protein forms R909Q.
Identifiers: ClinVar variation 499055 (VCV000499055.8), dbSNP rs201644342, ClinGen allele CA7757603.

ClinVar aggregate classification (germline): Uncertain significance. Review status: criteria provided, multiple submitters, no conflicts (2 of 4 stars). 3 submissions from 3 submitters: Uncertain significance (3). Last evaluated 2022-09-22.

Conditions:
ADAMTS17-related disorder. Also called: ADAMTS17-related condition.

Allele frequency attached by ClinVar (database versions not stated): ExAC 0.00005; gnomAD 0.00008 and 0.00009; TOPMed 0.00010; ESP Exome Variant Server 0.00023; 1000 Genomes Project 30x 0.00031; 1000 Genomes Project 0.00040.
gnomAD v4.1: 200 of 1,613,548 alleles (0.012%); highest among the groups gnomAD compares: Non-Finnish European, 0.015%; no homozygotes.

Submissions (3):

PreventionGenetics, part of Exact Sciences
Classification: Uncertain significance for ADAMTS17-related condition. Last evaluated: 2022-09-22. Review status: criteria provided, single submitter. Criteria: ACMG Guidelines, 2015. Collection method: clinical testing. Allele origin: germline.
Comment: The ADAMTS17 c.2726G>A variant is predicted to result in the amino acid substitution p.Arg909Gln. To our knowledge, this variant has not been reported in the literature. This variant is reported in 0.013% of alleles in individuals of European (Non-Finnish) descent in gnomAD. At this time, the clinical significance of this variant is uncertain due to the absence of conclusive functional and genetic evidence.

Labcorp Genetics (formerly Invitae), Labcorp
Classification: Uncertain significance. Last evaluated: 2022-06-15. Review status: criteria provided, single submitter. Criteria: Invitae Variant Classification Sherloc (09022015). Collection method: clinical testing. Allele origin: germline.
Comment: This sequence change replaces arginine, which is basic and polar, with glutamine, which is neutral and polar, at codon 909 of the ADAMTS17 protein (p.Arg909Gln). This variant is present in population databases (rs201644342, gnomAD 0.01%). This variant has not been reported in the literature in individuals affected with ADAMTS17-related conditions. ClinVar contains an entry for this variant (Variation ID: 499055). Algorithms developed to predict the effect of missense changes on protein structure and function output the following: SIFT: "Not Available"; PolyPhen-2: "Benign"; Align-GVGD: "Not Available". The glutamine amino acid residue is found in multiple mammalian species, which suggests that this missense change does not adversely affect protein function. In summary, the available evidence is currently insufficient to determine the role of this variant in disease. Therefore, it has been classified as a Variant of Uncertain Significance.

Eurofins Ntd Llc (ga)
Classification: Uncertain significance. Last evaluated: 2016-12-07. Review status: criteria provided, single submitter. Criteria: EGL Classification Definitions 2015. Collection method: clinical testing. Allele origin: germline. Observed: 1 variant allele, 1 heterozygote.